The following is an entry in ClinVar:

ClinVar aggregate classification (germline): Pathogenic (1 of 4 stars; one submission).

Conditions:
Neurofibromatosis, type 1 (NF1). Also called: Peripheral type neurofibromatosis; NEUROFIBROMATOSIS, TYPE I, SOMATIC; Neurofibromatosis, type I; VON RECKLINGHAUSEN DISEASE. Identifiers: Orphanet 636, MedGen C0027831, MONDO:0018975, OMIM 162200. Disease mechanism: loss of function.

Submission:

Labcorp Genetics (formerly Invitae), Labcorp
Classification: Pathogenic for Neurofibromatosis, type 1. Last evaluated: 2022-04-24. Review status: criteria provided, single submitter. Criteria: Invitae Variant Classification Sherloc (09022015). Collection method: clinical testing. Allele origin: germline.
Comment: For these reasons, this variant has been classified as Pathogenic. This variant has not been reported in the literature in individuals affected with NF1-related conditions. This variant is not present in population databases (gnomAD no frequency). This sequence change creates a premature translational stop signal (p.Ile1603Asnfs*6) in the NF1 gene. It is expected to result in an absent or disrupted protein product. Loss-of-function variants in NF1 are known to be pathogenic (PMID: 10712197, 23913538).

Literature cited by the submitters: PubMed 10712197; PubMed 23913538.

NM_001042492.3(NF1):c.4871del (p.Ile1624fs)

Gene: NF1 (neurofibromin 1; plus strand). Cytogenetic location: 17q11.2.
Variant type: Deletion.
Coding change: c.4871del on transcript NM_001042492.3 (MANE Select); coding-DNA position 4871, one base deleted (T; older notation c.4871delT).
Protein change: p.Ile1624fs; shifts the reading frame from isoleucine 1624.
Molecular consequence: frameshift variant.
Genome position (GRCh38, 1-based): chr17:31,325,855, T deleted. VCF-style (leftmost placement, unchanged base first): chr17-31325854-AT-A. GRCh37 (hg19) VCF-style: chr17-29652872-AT-A.
Other names: c.4808delT, p.Ile1603Asnfs (NM_000267.4); short protein forms I1624fs, I1603fs.
Identifiers: ClinVar variation 2130313 (VCV002130313.4), dbSNP rs2508694321, ClinGen allele CA2580092926.